The following is an entry in ClinVar:

ClinVar aggregate classification (germline): Uncertain significance (1 of 4 stars; one submission).

Submission:

Labcorp Genetics (formerly Invitae), Labcorp
Classification: Uncertain significance. Last evaluated: 2022-10-17. Review status: criteria provided, single submitter. Criteria: Invitae Variant Classification Sherloc (09022015). Collection method: clinical testing. Allele origin: germline.
Comment: In summary, the available evidence is currently insufficient to determine the role of this variant in disease. Therefore, it has been classified as a Variant of Uncertain Significance. Algorithms developed to predict the effect of missense changes on protein structure and function output the following: SIFT: "Tolerated"; PolyPhen-2: "Benign"; Align-GVGD: "Class C0". The lysine amino acid residue is found in multiple mammalian species, which suggests that this missense change does not adversely affect protein function. ClinVar contains an entry for this variant (Variation ID: 1518204). This variant has not been reported in the literature in individuals affected with EYS-related conditions. This variant is not present in population databases (gnomAD no frequency). This sequence change replaces arginine, which is basic and polar, with lysine, which is basic and polar, at codon 232 of the EYS protein (p.Arg232Lys).

NM_001142800.2(EYS):c.695G>A (p.Arg232Lys)

Gene: EYS (EGF-like photoreceptor maintenance factor; minus strand). Cytogenetic location: 6q12.
Variant type: single nucleotide variant.
Coding change: c.695G>A on transcript NM_001142800.2 (MANE Select); coding-DNA position 695, G replaced by A.
Protein change: p.Arg232Lys; replaces arginine 232 with lysine.
Molecular consequence: missense variant.
Genome position (GRCh38, 1-based): chr6:65,494,716, C>T on the plus strand (G>A on the coding strand, the complement: EYS is on the minus strand). VCF-style: chr6-65494716-C-T. GRCh37 (hg19) VCF-style: chr6-66204609-C-T.
Other names: c.695G>A, p.Arg232Lys (NM_001142801.2, NM_001292009.2, NM_198283.2); short protein forms R232K.
Identifiers: ClinVar variation 1518204 (VCV001518204.8), dbSNP rs139634679, ClinGen allele CA364789345.